The following is an entry in ClinVar:

NM_001005242.3(PKP2):c.209G>T (p.Ser70Ile)

Gene: PKP2 (plakophilin 2; minus strand). Cytogenetic location: 12p11.21.
Variant type: single nucleotide variant.
Coding change: c.209G>T on transcript NM_001005242.3 (MANE Select); coding-DNA position 209, G replaced by T.
Protein change: p.Ser70Ile; replaces serine 70 with isoleucine.
Molecular consequence: missense variant.
Genome position (GRCh38, 1-based): chr12:32,896,523, C>A on the plus strand (G>T on the coding strand, the complement: PKP2 is on the minus strand). VCF-style: chr12-32896523-C-A. GRCh37 (hg19) VCF-style: chr12-33049457-C-A.
Other names: c.209G>T, p.Ser70Ile (NM_004572.4); short protein forms S70I.
Identifiers: ClinVar variation 45057 (VCV000045057.55), dbSNP rs75909145, ClinGen allele CA011711.

ClinVar aggregate classification (germline): Benign/Likely benign. Review status: criteria provided, multiple submitters, no conflicts (2 of 4 stars). 20 submissions from 20 submitters: Benign (14); Likely benign (3). 3 of the submissions do not count toward it. Last evaluated 2026-02-04.

Conditions:
Cardiovascular phenotype. Identifiers: MedGen CN230736.
Cardiomyopathy (CMYO). Also called: Cardiomyopathies. Identifiers: Orphanet 167848, MedGen C0878544, MONDO:0004994, HP:0001638. Inheritance: Various modes of inheritance.
Arrhythmogenic right ventricular cardiomyopathy (ARVD). Also called: Cardiomyopathy, ARVC; Arrhythmogenic right ventricular dysplasia; Arrhythmogenic cardiomyopathy; Arrhythmogenic Right Ventricular Cardiomyopathy (ARVC). Identifiers: Orphanet 247, MedGen C0349788, MeSH D019571, MONDO:0016587. Disease mechanism: loss of function. Inheritance: Various modes of inheritance.
Arrhythmogenic right ventricular dysplasia 9 (ARVD9). Also called: Arrhythmogenic Right Ventricular Dysplasia/Cardiomyopathy 9; ARRHYTHMOGENIC RIGHT VENTRICULAR DYSPLASIA, FAMILIAL, 9. Identifiers: MedGen C1836906, MONDO:0012180, OMIM 609040.

Allele frequency attached by ClinVar (database versions not stated): 1000 Genomes Project 30x 0.01296; 1000 Genomes Project 0.01318; TOPMed 0.01827; ESP Exome Variant Server 0.01862; gnomAD 0.01900 and 0.01930.

Submissions (20):

Labcorp Genetics (formerly Invitae), Labcorp
Classification: Benign for Arrhythmogenic right ventricular dysplasia 9. Last evaluated: 2026-02-04. Review status: criteria provided, single submitter. Criteria: Invitae Variant Classification Sherloc (09022015). Collection method: clinical testing. Allele origin: germline.

ARUP Laboratories, Molecular Genetics and Genomics, ARUP Laboratories
Classification: Benign for Arrhythmogenic right ventricular dysplasia 9. Last evaluated: 2025-07-10. Review status: criteria provided, single submitter. Criteria: ARUP Molecular Germline Variant Investigation Process 2024. Collection method: clinical testing. Allele origin: germline.

Molecular Diagnostic Laboratory for Inherited Cardiovascular Disease, Montreal Heart Institute
Classification: Likely benign. Last evaluated: 2025-04-08. Review status: criteria provided, single submitter. Criteria: ACMG Guidelines, 2015. Collection method: clinical testing. Allele origin: germline. Affected: no.
Comment: BS1;BP6

Blueprint Genetics
Classification: Likely benign. Last evaluated: 2024-11-27. Review status: criteria provided, single submitter. Criteria: ACMG Guidelines, 2015. Collection method: clinical testing. Allele origin: germline.

All of Us Research Program, National Institutes of Health
Classification: Benign for Arrhythmogenic right ventricular cardiomyopathy. Last evaluated: 2024-02-05. Review status: criteria provided, single submitter. Criteria: ACMG Guidelines, 2015. Collection method: clinical testing. Allele origin: germline. Inheritance: Autosomal dominant inheritance. Observed: 5,388 variant alleles, 5,315 heterozygotes, 73 homozygotes.
Comment: This study involves interpretation of variants in research participants for the purpose of population health screening. Participant phenotype was not available at the time of variant classification. Additional details can be found in publication PMID: 35346344, PMCID: PMC8962531

Color Diagnostics, LLC DBA Color Health
Classification: Benign for Cardiomyopathy. Last evaluated: 2018-03-13. Review status: criteria provided, single submitter. Criteria: ACMG Guidelines, 2015. Collection method: clinical testing. Allele origin: germline.

Illumina Laboratory Services, Illumina
Classification: Benign for Arrhythmogenic right ventricular dysplasia 9. Last evaluated: 2018-03-06. Review status: criteria provided, single submitter. Criteria: ICSL Variant Classification Criteria 13 December 2019. Collection method: clinical testing. Allele origin: germline.
Comment: This variant was observed in the ICSL laboratory as part of a predisposition screen in an ostensibly healthy population. It had not been previously curated by ICSL or reported in the Human Gene Mutation Database (HGMD: prior to June 1st, 2018), and was therefore a candidate for classification through an automated scoring system. Utilizing variant allele frequency, disease prevalence and penetrance estimates, and inheritance mode, an automated score was calculated to assess if this variant is too frequent to cause the disease. Based on the score and internal cut-off values, a variant classified as benign is not then subjected to further curation. The score for this variant resulted in a classification of benign for this disease.

Mayo Clinic Laboratories, Mayo Clinic
Classification: Benign. Last evaluated: 2016-03-04. Review status: criteria provided, single submitter. Criteria: ACMG Guidelines, 2015. Collection method: clinical testing. Allele origin: germline. Observed: 47 variant alleles.

Clinical Genetics DNA and cytogenetics Diagnostics Lab, Erasmus MC, Erasmus Medical Center
Classification: Benign for Arrhythmogenic right ventricular dysplasia 9. Last evaluated: 2015-09-21. Review status: criteria provided, single submitter. Criteria: ACGS Guidelines, 2013. Collection method: clinical testing. Allele origin: germline. Affected: yes. Study: VKGL Data-share Consensus.

GeneDx
Classification: Benign. Last evaluated: 2015-03-03. Review status: criteria provided, single submitter. Criteria: GeneDx Variant Classification Process June 2021. Collection method: clinical testing. Allele origin: germline. Affected: yes.
Comment: This variant is associated with the following publications: (PMID: 28472724, 21606390, 20031617, 19955750)

Eurofins Ntd Llc (ga)
Classification: Benign. Last evaluated: 2014-12-19. Review status: criteria provided, single submitter. Criteria: EGL Classification Definitions 2015. Collection method: clinical testing. Allele origin: germline. Observed: 2 variant alleles, 2 heterozygotes.

Ambry Genetics
Classification: Benign for Cardiovascular phenotype. Last evaluated: 2014-12-08. Review status: criteria provided, single submitter. Criteria: Ambry Variant Classification Scheme 2023. Collection method: clinical testing. Allele origin: germline.

Genome Diagnostics Laboratory, University Medical Center Utrecht
Classification: Benign for Arrhythmogenic right ventricular dysplasia 9. Last evaluated: 2014-10-09. Review status: criteria provided, single submitter. Criteria: ACGS Guidelines, 2013. Collection method: clinical testing. Allele origin: germline. Affected: yes. Study: VKGL Data-share Consensus.

Biesecker Lab/Clinical Genomics Section, National Institutes of Health
Classification: Benign. Last evaluated: 2013-06-24. Review status: criteria provided, single submitter. Criteria: Ng et al. (Circ Cardiovasc Genet. 2013). Collection method: research. Allele origin: unknown. Observed: 24 variant alleles. Study: ClinSeq.
Comment: The study set was not selected for affection status in relation to any cancer. Pathogenicity categories were based on literature curation. See Pubmed ID:23861362 for details.

Medical sequencing

Laboratory for Molecular Medicine, Mass General Brigham Personalized Medicine
Classification: Benign. Last evaluated: 2012-02-06. Review status: criteria provided, single submitter. Criteria: LMM Criteria. Collection method: clinical testing. Allele origin: germline. Observed: 121 variant alleles.
Comment: Ser70Ile in exon 1 of PKP2: This variant is classified as benign based on its hi gh frequency in the general population (NHLBI Exome sequencing project).

Breakthrough Genomics
Classification: Likely benign. Review status: criteria provided, single submitter. Criteria: ACMG Guidelines, 2015. Collection method: not provided. Allele origin: germline. Inheritance: Autosomal dominant inheritance. Affected: yes.

PreventionGenetics, part of Exact Sciences
Classification: Benign. Review status: criteria provided, single submitter. Criteria: ACMG Guidelines, 2015. Collection method: clinical testing. Allele origin: germline.

Clinical Genetics, Academic Medical Center
Classification: Benign. Review status: no assertion criteria provided. Collection method: clinical testing. Allele origin: germline. Affected: yes. Study: VKGL Data-share Consensus. Not counted in ClinVar's aggregate classification.

Diagnostic Laboratory, Department of Genetics, University Medical Center Groningen
Classification: Benign for Arrhythmogenic right ventricular dysplasia 9. Review status: no assertion criteria provided. Collection method: clinical testing. Allele origin: germline. Affected: yes. Study: VKGL Data-share Consensus. Not counted in ClinVar's aggregate classification.

Joint Genome Diagnostic Labs from Nijmegen and Maastricht, Radboudumc and MUMC+
Classification: Benign. Review status: no assertion criteria provided. Collection method: clinical testing. Allele origin: germline. Affected: yes. Study: VKGL Data-share Consensus. Not counted in ClinVar's aggregate classification.

Literature cited by the submitters: PubMed 16567567 (cited by Laboratory for Molecular Medicine, Mass General Brigham Personalized Medicine); PubMed 17556197 (cited by Laboratory for Molecular Medicine, Mass General Brigham Personalized Medicine); PubMed 20031617 (cited by Laboratory for Molecular Medicine, Mass General Brigham Personalized Medicine).